The following is an entry in ClinVar:

ClinVar aggregate classification (germline): Conflicting classifications of pathogenicity. Review status: criteria provided, conflicting classifications (1 of 4 stars). 8 submissions from 8 submitters: Uncertain significance (6); Likely benign (2). Last evaluated 2026-03-04.

Conditions:
Retinitis pigmentosa 71 (RP71). Identifiers: Orphanet 791, MedGen C4225342, MONDO:0014618, OMIM 616394.
Short-rib thoracic dysplasia 10 with or without polydactyly (SRTD10). Identifiers: Orphanet 474, MedGen C3810175, MONDO:0014284, OMIM 615630.
Bardet-Biedl syndrome 20. Identifiers: MedGen C4310707, MONDO:0023670, OMIM 619471, MONDO:0014926.
IFT172-related disorder. Also called: IFT172-related condition; IFT172-related disorders.
Inborn genetic diseases. Identifiers: MedGen C0950123, MeSH D030342.

Allele frequency attached by ClinVar (database versions not stated): gnomAD exomes 0.00007; TOPMed 0.00024; gnomAD 0.00026 and 0.00025; ExAC 0.00010; ESP Exome Variant Server 0.00015.
gnomAD v4.1: 68 of 1,613,484 alleles (0.0042%); highest among the groups gnomAD compares: African/African-American, 0.085%; no homozygotes.

Submissions (8):

PreventionGenetics, part of Exact Sciences
Classification: Uncertain significance for IFT172-related condition. Last evaluated: 2026-03-04. Review status: criteria provided, single submitter. Criteria: ACMG Guidelines, 2015. Collection method: clinical testing. Allele origin: germline.
Comment: The IFT172 c.1313C>T variant is predicted to result in the amino acid substitution p.Pro438Leu. To our knowledge, this variant has not been reported in the literature. This variant is reported in 0.096% of alleles in individuals of African descent in gnomAD, which is likely too frequent to be a primary cause of disease. Although we suspect that this variant may be benign, at this time, the clinical significance of this variant is uncertain due to the absence of conclusive functional and genetic evidence.

Labcorp Genetics (formerly Invitae), Labcorp
Classification: Likely benign for Retinitis pigmentosa 71; Short-rib thoracic dysplasia 10 with or without polydactyly. Last evaluated: 2026-01-24. Review status: criteria provided, single submitter. Criteria: Invitae Variant Classification Sherloc (09022015). Collection method: clinical testing. Allele origin: germline.

Genetic Services Laboratory, University of Chicago
Classification: Uncertain significance. Last evaluated: 2025-09-12. Review status: criteria provided, single submitter. Criteria: ACMG Guidelines, 2015. Collection method: clinical testing. Allele origin: germline.
Comment: DNA sequence analysis of the IFT172 gene demonstrated a sequence change, c.1313C>T, in exon 13 that results in an amino acid change, p.Pro438Leu. This sequence change has been described in the gnomAD database with a frequency of 0.096% in the African/African American subpopulation (dbSNP rs367930028). The p.Pro438Leu change affects a highly conserved amino acid residue located in a domain of the IFT172 protein that is known to be functional. In-silico pathogenicity prediction tools (SIFT, PolyPhen2, Align GVGD, REVEL) provide contradictory results for the p.Pro438Leu substitution. This sequence change does not appear to have been previously described in individuals with IFT172-related disorders. Due to insufficient evidences and the lack of functional studies, the clinical significance of the p.Pro438Leu change remains unknown at this time.

Fulgent Genetics
Classification: Uncertain significance for Short-rib thoracic dysplasia 10 with or without polydactyly; Retinitis pigmentosa 71; Bardet-Biedl syndrome 20. Last evaluated: 2024-03-29. Review status: criteria provided, single submitter. Criteria: ACMG Guidelines, 2015. Collection method: clinical testing. Allele origin: germline.

Blueprint Genetics
Classification: Likely benign. Last evaluated: 2023-07-10. Review status: criteria provided, single submitter. Criteria: ACMG Guidelines, 2015. Collection method: clinical testing. Allele origin: germline.

GeneDx
Classification: Uncertain significance. Last evaluated: 2023-04-12. Review status: criteria provided, single submitter. Criteria: GeneDx Variant Classification Process June 2021. Collection method: clinical testing. Allele origin: germline. Affected: yes.
Comment: In silico analysis supports that this missense variant has a deleterious effect on protein structure/function; Has not been previously published as pathogenic or benign to our knowledge

New York Genome Center
Classification: Uncertain significance for Bardet-Biedl syndrome 20; Retinitis pigmentosa 71; Short-rib thoracic dysplasia 10 with or without polydactyly. Last evaluated: 2022-01-14. Review status: criteria provided, single submitter. Criteria: NYGC Assertion Criteria 2020. Collection method: clinical testing. Allele origin: germline. Observed: 2 heterozygotes. Clinical features observed: Hepatic steatosis (HP:0001397), Type 2 diabetes mellitus (HP:0005978).

Ambry Genetics
Classification: Uncertain significance for Inborn genetic diseases. Last evaluated: 2021-08-13. Review status: criteria provided, single submitter. Criteria: Ambry Variant Classification Scheme 2023. Collection method: clinical testing. Allele origin: germline.

NM_015662.3(IFT172):c.1313C>T (p.Pro438Leu)

Gene: IFT172 (intraflagellar transport 172; minus strand). Cytogenetic location: 2p23.3.
Variant type: single nucleotide variant.
Coding change: c.1313C>T on transcript NM_015662.3 (MANE Select); coding-DNA position 1313, C replaced by T.
Protein change: p.Pro438Leu; replaces proline 438 with leucine.
Molecular consequence: missense variant.
Genome position (GRCh38, 1-based): chr2:27,477,229, G>A on the plus strand (C>T on the coding strand, the complement: IFT172 is on the minus strand). VCF-style: chr2-27477229-G-A. GRCh37 (hg19) VCF-style: chr2-27700096-G-A.
Other names: c.1313C>T (NM_015662.1); short protein forms P438L.
Identifiers: ClinVar variation 850164 (VCV000850164.24), dbSNP rs367930028, ClinGen allele CA1580712.